The following is an entry in ClinVar:

ClinVar aggregate classification (germline): Uncertain significance (1 of 4 stars; one submission).

Conditions:
Inborn genetic diseases. Identifiers: MedGen C0950123, MeSH D030342.

gnomAD v4.1: 1 of 1,603,632 alleles (0.000062%); highest among the groups gnomAD compares: East Asian, 0.0022%; no homozygotes.

Submission:

Ambry Genetics
Classification: Uncertain significance for Inborn genetic diseases. Last evaluated: 2025-12-09. Review status: criteria provided, single submitter. Criteria: Ambry Variant Classification Scheme 2023. Collection method: clinical testing. Allele origin: germline.
Comment: The p.Y1555S variant (also known as c.4664A>C), located in coding exon 31 of the ANKRD26 gene, results from an A to C substitution at nucleotide position 4664. The tyrosine at codon 1555 is replaced by serine, an amino acid with dissimilar properties. This amino acid position is conserved. In addition, the in silico prediction for this alteration is inconclusive. Based on the available evidence, the clinical significance of this variant remains unclear.

NM_014915.3(ANKRD26):c.4664A>C (p.Tyr1555Ser)

Gene: ANKRD26 (ankyrin repeat domain 26; minus strand). Cytogenetic location: 10p12.1.
Variant type: single nucleotide variant.
Coding change: c.4664A>C on transcript NM_014915.3 (MANE Select); coding-DNA position 4664, A replaced by C.
Protein change: p.Tyr1555Ser; replaces tyrosine 1555 with serine.
Molecular consequence: missense variant.
Genome position (GRCh38, 1-based): chr10:27,014,554, T>G on the plus strand (A>C on the coding strand, the complement: ANKRD26 is on the minus strand). VCF-style: chr10-27014554-T-G. GRCh37 (hg19) VCF-style: chr10-27303483-T-G.
Other names: c.4661A>C, p.Tyr1554Ser (NM_001256053.2); short protein forms Y1555S, Y1554S.
Identifiers: ClinVar variation 4580427 (VCV004580427.1).